The following is an entry in ClinVar:

ClinVar aggregate classification (germline): Uncertain significance (1 of 4 stars; one submission).

Conditions:
Deuteranomaly (CBD). Also called: Deutan defect; DEUTAN COLORBLINDNESS; GREEN COLORBLINDNESS. Identifiers: MedGen C3887938, OMIM 303800, HP:0011520.

Allele frequency attached by ClinVar (database versions not stated): gnomAD exomes 0.00002; ExAC 0.00010.

Submission:

Centre for Mendelian Genomics, University Medical Centre Ljubljana
Classification: Uncertain significance for Deuteranomaly. Last evaluated: 2019-03-31. Review status: criteria provided, single submitter. Criteria: ACMG Guidelines, 2015. Collection method: clinical testing. Allele origin: unknown. Affected: yes.
Comment: This variant was classified as: Uncertain significance. The following ACMG criteria were applied in classifying this variant: PP2,PP3. This variant was detected in hemizygous state.

NM_001048181.3(OPN1MW2):c.292G>A (p.Ala98Thr)

Gene: OPN1MW2 (opsin 1, medium wave sensitive 2; plus strand). Cytogenetic location: Xq28.
Variant type: single nucleotide variant.
Coding change: c.292G>A on transcript NM_001048181.3 (MANE Select); coding-DNA position 292, G replaced by A.
Protein change: p.Ala98Thr; replaces alanine 98 with threonine.
Molecular consequence: missense variant.
Genome position (GRCh38, 1-based): chrX:154,225,087, G>A. VCF-style: chrX-154225087-G-A. GRCh37 (hg19) VCF-style: chrX-153490556-G-A.
Other names: short protein forms A98T.
Identifiers: ClinVar variation 931523 (VCV000931523.4), dbSNP rs782410634, ClinGen allele CA10559044.